The following is an entry in ClinVar:

NM_003640.5(ELP1):c.854A>T (p.Asp285Val)

Gene: ELP1 (elongator acetyltransferase complex subunit 1; minus strand). Cytogenetic location: 9q31.3.
Variant type: single nucleotide variant.
Coding change: c.854A>T on transcript NM_003640.5 (MANE Select); coding-DNA position 854, A replaced by T.
Protein change: p.Asp285Val; replaces aspartic acid 285 with valine.
Molecular consequence: missense variant. On other transcripts: 5 prime UTR variant (1).
Genome position (GRCh38, 1-based): chr9:108,917,557, T>A on the plus strand (A>T on the coding strand, the complement: ELP1 is on the minus strand). VCF-style: chr9-108917557-T-A. GRCh37 (hg19) VCF-style: chr9-111679837-T-A.
Other names: c.512A>T, p.Asp171Val (NM_001318360.2); c.-194A>T (NM_001330749.2); short protein forms D171V, D285V.
Identifiers: ClinVar variation 1026374 (VCV001026374.8), dbSNP rs1829487738, ClinGen allele CA374386116.

ClinVar aggregate classification (germline): Uncertain significance (1 of 4 stars; one submission).

Submission:

Labcorp Genetics (formerly Invitae), Labcorp
Classification: Uncertain significance. Last evaluated: 2020-04-30. Review status: criteria provided, single submitter. Criteria: Invitae Variant Classification Sherloc (09022015). Collection method: clinical testing. Allele origin: germline.
Comment: This sequence change replaces aspartic acid with valine at codon 285 of the ELP1 protein (p.Asp285Val). The aspartic acid residue is moderately conserved and there is a large physicochemical difference between aspartic acid and valine. This variant is not present in population databases (ExAC no frequency). This variant has not been reported in the literature in individuals with ELP1-related conditions. Algorithms developed to predict the effect of missense changes on protein structure and function are either unavailable or do not agree on the potential impact of this missense change (SIFT: "Deleterious"; PolyPhen-2: "Benign"; Align-GVGD: "Class C0"). In summary, the available evidence is currently insufficient to determine the role of this variant in disease. Therefore, it has been classified as a Variant of Uncertain Significance.